The following is an entry in ClinVar:

ClinVar aggregate classification (germline): Uncertain significance (1 of 4 stars; one submission).

Submission:

Ambry Genetics
Classification: Uncertain significance. Last evaluated: 2022-04-05. Review status: criteria provided, single submitter. Criteria: Ambry Variant Classification Scheme 2023. Collection method: clinical testing. Allele origin: germline.
Comment: The p.Y762C variant (also known as c.2285A>G), located in coding exon 21 of the PRKDC gene, results from an A to G substitution at nucleotide position 2285. The tyrosine at codon 762 is replaced by cysteine, an amino acid with highly dissimilar properties. This amino acid position is conserved. In addition, this alteration is predicted to be tolerated by in silico analysis. Since supporting evidence is limited at this time, the clinical significance of this alteration remains unclear.

NM_006904.7(PRKDC):c.2285A>G (p.Tyr762Cys)

Gene: PRKDC (protein kinase, DNA-activated, catalytic subunit; minus strand). Cytogenetic location: 8q11.21.
Variant type: single nucleotide variant.
Coding change: c.2285A>G on transcript NM_006904.7 (MANE Select); coding-DNA position 2285, A replaced by G.
Protein change: p.Tyr762Cys; replaces tyrosine 762 with cysteine.
Molecular consequence: missense variant.
Genome position (GRCh38, 1-based): chr8:47,927,328, T>C on the plus strand (A>G on the coding strand, the complement: PRKDC is on the minus strand). VCF-style: chr8-47927328-T-C. GRCh37 (hg19) VCF-style: chr8-48839888-T-C.
Other names: c.2285A>G, p.Tyr762Cys (NM_001081640.2); short protein forms Y762C.
Identifiers: ClinVar variation 1788998 (VCV001788998.2), dbSNP rs2551878156, ClinGen allele CA371162094.